The following is an entry in ClinVar:

ClinVar aggregate classification (germline): Uncertain significance (1 of 4 stars; one submission).

Conditions:
Mucopolysaccharidosis type 1. Also called: IDUA deficiency; MPS I; Mucopolysaccharidosis Type I. Identifiers: Orphanet 579, MedGen C0023786, MONDO:0001586.

Allele frequency attached by ClinVar (database versions not stated): gnomAD 0.00001; TOPMed 0.00002.
gnomAD v4.1: 2 of 1,611,900 alleles (0.00012%); highest among the groups gnomAD compares: African/African-American, 0.0027%; no homozygotes.

Submission:

Labcorp Genetics (formerly Invitae), Labcorp
Classification: Uncertain significance for Mucopolysaccharidosis type 1. Last evaluated: 2024-12-09. Review status: criteria provided, single submitter. Criteria: Invitae Variant Classification Sherloc (09022015). Collection method: clinical testing. Allele origin: germline.
Comment: This sequence change replaces alanine, which is neutral and non-polar, with threonine, which is neutral and polar, at codon 556 of the IDUA protein (p.Ala556Thr). This variant is not present in population databases (gnomAD no frequency). This variant has not been reported in the literature in individuals affected with IDUA-related conditions. ClinVar contains an entry for this variant (Variation ID: 2166082). Invitae Evidence Modeling of protein sequence and biophysical properties (such as structural, functional, and spatial information, amino acid conservation, physicochemical variation, residue mobility, and thermodynamic stability) has been performed for this missense variant. However, the output from this modeling did not meet the statistical confidence thresholds required to predict the impact of this variant on IDUA protein function. In summary, the available evidence is currently insufficient to determine the role of this variant in disease. Therefore, it has been classified as a Variant of Uncertain Significance.

NM_000203.5(IDUA):c.1666G>A (p.Ala556Thr)

Gene: IDUA (alpha-L-iduronidase; plus strand). Cytogenetic location: 4p16.3.
Variant type: single nucleotide variant.
Coding change: c.1666G>A on transcript NM_000203.5 (MANE Select); coding-DNA position 1666, G replaced by A.
Protein change: p.Ala556Thr; replaces alanine 556 with threonine.
Molecular consequence: missense variant. On other transcripts: non-coding transcript variant (1).
Genome position (GRCh38, 1-based): chr4:1,003,564, G>A. VCF-style: chr4-1003564-G-A. GRCh37 (hg19) VCF-style: chr4-997352-G-A.
Other names: c.1270G>A, p.Ala424Thr (NM_001363576.1); short protein forms A424T, A556T.
Identifiers: ClinVar variation 2166082 (VCV002166082.3), dbSNP rs771540729, ClinGen allele CA91171117.
Genomic context (GRCh38, chr4:1,003,564, plus strand): 5'-CGGACTCCCCTTCCCCGACGCCATCACAGCCCTTCCCTCCCCCAGGTCACGCGGCTCCGC[G>A]CCCTGCCCCTGACCCAAGGGCAGCTGGTTCTGGTCTGGTCGGATGAACACGTGGGCTCCA-3'
Protein context (NP_000194.2, residues 546-566): KPPGQVTRLR[Ala556Thr]LPLTQGQLVL